The following is an entry in ClinVar:

NM_001297.5(CNGB1):c.1363A>T (p.Ser455Cys)

Gene: CNGB1 (cyclic nucleotide gated channel subunit beta 1; minus strand). Cytogenetic location: 16q21.
Variant type: single nucleotide variant.
Coding change: c.1363A>T on transcript NM_001297.5 (MANE Select); coding-DNA position 1363, A replaced by T.
Protein change: p.Ser455Cys; replaces serine 455 with cysteine.
Molecular consequence: missense variant.
Genome position (GRCh38, 1-based): chr16:57,939,439, T>A on the plus strand (A>T on the coding strand, the complement: CNGB1 is on the minus strand). VCF-style: chr16-57939439-T-A. GRCh37 (hg19) VCF-style: chr16-57973343-T-A.
Other names: c.1345A>T, p.Ser449Cys (NM_001286130.2); short protein forms S449C, S455C.
Identifiers: ClinVar variation 1377304 (VCV001377304.6), dbSNP rs750127832, ClinGen allele CA8083468.

ClinVar aggregate classification (germline): Uncertain significance (1 of 4 stars; one submission).

Allele frequency attached by ClinVar (database versions not stated): gnomAD exomes 0.00001; ExAC 0.00001; gnomAD 0.00001.
gnomAD v4.1: 5 of 1,613,996 alleles (0.00031%); highest among the groups gnomAD compares: South Asian, 0.0055%; no homozygotes.

Submission:

Labcorp Genetics (formerly Invitae), Labcorp
Classification: Uncertain significance. Last evaluated: 2021-10-25. Review status: criteria provided, single submitter. Criteria: Invitae Variant Classification Sherloc (09022015). Collection method: clinical testing. Allele origin: germline.
Comment: In summary, the available evidence is currently insufficient to determine the role of this variant in disease. Therefore, it has been classified as a Variant of Uncertain Significance. Advanced modeling of protein sequence and biophysical properties (such as structural, functional, and spatial information, amino acid conservation, physicochemical variation, residue mobility, and thermodynamic stability) performed at Invitae indicates that this missense variant is not expected to disrupt CNGB1 protein function. This variant has not been reported in the literature in individuals affected with CNGB1-related conditions. This variant is present in population databases (rs750127832, ExAC 0.006%). This sequence change replaces serine with cysteine at codon 455 of the CNGB1 protein (p.Ser455Cys). The serine residue is weakly conserved and there is a moderate physicochemical difference between serine and cysteine.